The following is an entry in ClinVar:

ClinVar aggregate classification (germline): Likely benign. Review status: criteria provided, multiple submitters, no conflicts (2 of 4 stars). 3 submissions from 3 submitters: Likely benign (3). Last evaluated 2025-09-06.

Conditions:
Juvenile polyposis syndrome (JPS). Identifiers: Orphanet 2929, MedGen C0345893, MONDO:0017380, OMIM 174900.
Juvenile polyposis/hereditary hemorrhagic telangiectasia syndrome (JPHT). Also called: Juvenile Polyposis Syndrome / Hereditary Hemorrhagic Telangiectasia (JPS/HHT); JP/HHT SYNDROME; JUVENILE POLYPOSIS WITH HEREDITARY HEMORRHAGIC TELANGIECTASIA; POLYPOSIS, GENERALIZED JUVENILE, WITH PULMONARY ARTERIOVENOUS MALFORMATION; TELANGIECTASIA, HEREDITARY HEMORRHAGIC, WITH JUVENILE POLYPOSIS COLI. Identifiers: Orphanet 2929, MedGen C1832942, MONDO:0008278, OMIM 175050.

Allele frequency attached by ClinVar (database versions not stated): gnomAD exomes below 0.00001 and 0.00001; TOPMed below 0.00001; gnomAD 0.00001; ExAC 0.00002.
gnomAD v4.1: 3 of 1,610,220 alleles (0.00019%); highest among the groups gnomAD compares: Non-Finnish European, 0.00025%; no homozygotes.

Submissions (3):

Labcorp Genetics (formerly Invitae), Labcorp
Classification: Likely benign for Juvenile polyposis syndrome. Last evaluated: 2025-09-06. Review status: criteria provided, single submitter. Criteria: Invitae Variant Classification Sherloc (09022015). Collection method: clinical testing. Allele origin: germline.

Women's Health and Genetics/Laboratory Corporation of America, LabCorp
Classification: Likely benign. Last evaluated: 2025-04-29. Review status: criteria provided, single submitter. Criteria: LabCorp Variant Classification Summary - May 2015. Collection method: clinical testing. Allele origin: germline.

Myriad Genetics, Inc.
Classification: Likely benign for Juvenile polyposis/hereditary hemorrhagic telangiectasia syndrome. Last evaluated: 2025-03-18. Review status: criteria provided, single submitter. Criteria: Myriad Autosomal Dominant, Autosomal Recessive and X-Linked Classification Criteria (2023). Collection method: clinical testing. Allele origin: unknown.
Comment: This variant is considered likely benign. This variant is intronic and is not expected to impact mRNA splicing.

NM_005359.6(SMAD4):c.249+7C>T

Gene: SMAD4 (SMAD family member 4; plus strand). Cytogenetic location: 18q21.2.
Variant type: single nucleotide variant.
Coding change: c.249+7C>T on transcript NM_005359.6 (MANE Select); 7 bases into the intron after coding-DNA position 249, C replaced by T.
Molecular consequence: intron variant.
Genome position (GRCh38, 1-based): chr18:51,047,302, C>T. VCF-style: chr18-51047302-C-T. GRCh37 (hg19) VCF-style: chr18-48573672-C-T.
Identifiers: ClinVar variation 748680 (VCV000748680.13), dbSNP rs754207663, ClinGen allele CA8965741.